The following is an entry in ClinVar:

ClinVar aggregate classification (germline): Pathogenic/Likely pathogenic. Review status: criteria provided, multiple submitters, no conflicts (2 of 4 stars). 3 submissions from 3 submitters: Pathogenic (2); Likely pathogenic (1). Last evaluated 2023-07-17.

Conditions:
Androgen resistance syndrome (AIS). Also called: TESTICULAR FEMINIZATION SYNDROME; Androgen insensitivity syndrome; Androgen insensitivity, complete; Androgen insensitivity syndrome due to coactivator deficiency; ANDROGEN RECEPTOR DEFICIENCY; DIHYDROTESTOSTERONE RECEPTOR DEFICIENCY. Identifiers: Orphanet 754, Orphanet 99429, MedGen C0039585, MONDO:0019154, OMIM 300068. Disease mechanism: loss of function.
Kennedy disease (SMAX1). Also called: SPINAL AND BULBAR MUSCULAR ATROPHY, X-LINKED 1; KENNEDY SPINAL AND BULBAR MUSCULAR ATROPHY; Spinal and Bulbar Muscular Atrophy. Identifiers: Orphanet 481, MedGen C1839259, MONDO:0010735, OMIM 313200.

Submissions (3):

Victorian Clinical Genetics Services, Murdoch Childrens Research Institute
Classification: Pathogenic for Androgen resistance syndrome. Last evaluated: 2023-07-17. Review status: criteria provided, single submitter. Criteria: ACMG Guidelines, 2015. Collection method: clinical testing. Allele origin: germline. Inheritance: X-linked recessive inheritance. Affected: yes.
Comment: Based on the classification scheme VCGS_Germline_v1.3.4, this variant is classified as Pathogenic. Following criteria are met: 0102 - Loss of function is a known mechanism of disease in this gene and is associated with androgen insensitivity (MIM#300068), androgen insensitivity, partial, with or without breast cancer (MIM#312300), hypospadias 1, X-linked (MIM#300633), or spinal and bulbar muscular atrophy of Kennedy (MIM#313200). (I) 0109 - This gene is associated with X-linked recessive disease. (I) 0201 - Variant is predicted to cause nonsense-mediated decay (NMD) and loss of protein (premature termination codon is located at least 54 nucleotides upstream of the final exon-exon junction). (SP) 0253 - This variant is hemizygous. (I) 0301 - Variant is absent from gnomAD (both v2 and v3). (SP) 0701 – Other NMD-predicted variants comparable to the one identified in this case have very strong previous evidence for pathogenicity (ClinVar). (SP) 0802 - This variant has moderate previous evidence of pathogenicity in unrelated individuals. Although this exact variant has not been previously reported, alternative nucleotide changes at this position that result in the same nonsense variant, have evidence of pathogenicity. The c.1605C>A; p.(Tyr535*) and c.1605C>G; p.(Tyr535*) variants have both been reported in 46,XY females with androgen insensitivity syndrome (PMIDs: 27899157, 29785970, 25613104, ClinVar). (I) Legend: (SP) - Supporting pathogenic, (I) - Information, (SB) - Supporting benign

Labcorp Genetics (formerly Invitae), Labcorp
Classification: Pathogenic for Kennedy disease; Androgen resistance syndrome. Last evaluated: 2023-01-31. Review status: criteria provided, single submitter. Criteria: Invitae Variant Classification Sherloc (09022015). Collection method: clinical testing. Allele origin: germline.
Comment: For these reasons, this variant has been classified as Pathogenic. ClinVar contains an entry for this variant (Variation ID: 1803254). This variant has not been reported in the literature in individuals affected with AR-related conditions. This variant is not present in population databases (gnomAD no frequency). This sequence change creates a premature translational stop signal (p.Tyr535*) in the AR gene. It is expected to result in an absent or disrupted protein product. Loss-of-function variants in AR are known to be pathogenic (PMID: 19463997).

Genetics and Molecular Pathology, SA Pathology
Classification: Likely pathogenic for Androgen resistance syndrome. Last evaluated: 2022-08-01. Review status: criteria provided, single submitter. Criteria: ACMG Guidelines, 2015. Collection method: clinical testing. Allele origin: germline. Inheritance: X-linked recessive inheritance. Affected: yes.
Comment: The AR c.1605del variant is located in exon 1/8 and introduces a premature termination codon at codon 535, predicted to result in non-sense mediated decay (PVS1). This variant is absent from population databases (PM2). This variant has been reported in the COSMIC database (COSMIC ID COSV65953445). This variant has not been reported in ClinVar. It has not been reported in dbSNP or HGMD. Literature: PMID: 22334387, PMID: 33514065, PMID: 33819955, and PMID: 14701682.

Literature cited by the submitters: PubMed 25613104 (cited by Victorian Clinical Genetics Services, Murdoch Childrens Research Institute); PubMed 27899157 (cited by Victorian Clinical Genetics Services, Murdoch Childrens Research Institute); PubMed 29785970 (cited by Victorian Clinical Genetics Services, Murdoch Childrens Research Institute); PubMed 19463997 (cited by Labcorp Genetics (formerly Invitae), Labcorp); PubMed 14701682 (cited by Genetics and Molecular Pathology, SA Pathology); PubMed 22334387 (cited by Genetics and Molecular Pathology, SA Pathology); PubMed 33514065 (cited by Genetics and Molecular Pathology, SA Pathology); PubMed 33819955 (cited by Genetics and Molecular Pathology, SA Pathology).

NM_000044.6(AR):c.1605del (p.Pro534_Tyr535insTer)

Gene: AR (androgen receptor; plus strand). Cytogenetic location: Xq12.
Variant type: Deletion.
Coding change: c.1605del on transcript NM_000044.6 (MANE Select); coding-DNA position 1605, one base deleted (C; older notation c.1605delC).
Protein change: p.Pro534_Tyr535insTer.
Molecular consequence: nonsense. On other transcripts: 5 prime UTR variant (1).
Genome position (GRCh38, 1-based): chrX:67,546,751, C deleted. VCF-style (leftmost placement, unchanged base first): chrX-67546750-AC-A. GRCh37 (hg19) VCF-style: chrX-66766592-AC-A.
Other names: c.-179del (NM_001011645.3); c.1605del, p.Pro534_Tyr535insTer (NM_001348061.1, NM_001348063.1, NM_001348064.1); c.1605delC (NM_000044.6, NM_000044.4).
Identifiers: ClinVar variation 1803254 (VCV001803254.5), dbSNP rs2519612464, ClinGen allele CA2573129684.